The following is an entry in ClinVar:

ClinVar aggregate classification (germline): Benign/Likely benign. Review status: criteria provided, multiple submitters, no conflicts (2 of 4 stars). 6 submissions from 6 submitters: Benign (4); Likely benign (1). 1 of the submissions does not count toward it. Last evaluated 2026-01-12.

Conditions:
CACNA1A-related disorder. Also called: CACNA1A-related condition.
Developmental and epileptic encephalopathy, 42 (DEE42A). Also called: Epileptic encephalopathy, early infantile, 42; DEVELOPMENTAL AND EPILEPTIC ENCEPHALOPATHY 42A; EPILEPTIC ENCEPHALOPATHY, EARLY INFANTILE, 42A. Identifiers: MedGen C4310716, MONDO:0014917, OMIM 617106.
Episodic ataxia type 2 (EA2). Also called: EPISODIC ATAXIA, NYSTAGMUS-ASSOCIATED; ACETAZOLAMIDE-RESPONSIVE HEREDITARY PAROXYSMAL CEREBELLAR ATAXIA; ATAXIA, EPISODIC, WITH NYSTAGMUS; ATAXIA, FAMILIAL PAROXYSMAL; CEREBELLAR ATAXIA, PAROXYSMAL, ACETAZOLAMIDE-RESPONSIVE; CEREBELLOPATHY, HEREDITARY PAROXYSMAL. Identifiers: Orphanet 97, MedGen C1720416, MONDO:0007163, OMIM 108500.

Allele frequency attached by ClinVar (database versions not stated): gnomAD 0.00041 and 0.00086; TOPMed 0.00053; ESP Exome Variant Server 0.00062; gnomAD exomes 0.00117 and 0.00236; ExAC 0.00282; 1000 Genomes Project 0.00339; 1000 Genomes Project 30x 0.00359.
gnomAD v4.1: 1,827 of 1,610,218 alleles (0.11%); highest among the groups gnomAD compares: South Asian, 1.6%; 26 homozygotes.

Submissions (6):

Labcorp Genetics (formerly Invitae), Labcorp
Classification: Benign for Developmental and epileptic encephalopathy, 42; Episodic ataxia type 2. Last evaluated: 2026-01-12. Review status: criteria provided, single submitter. Criteria: Invitae Variant Classification Sherloc (09022015). Collection method: clinical testing. Allele origin: germline.

Blueprint Genetics
Classification: Likely benign. Last evaluated: 2024-11-13. Review status: criteria provided, single submitter. Criteria: ACMG Guidelines, 2015. Collection method: clinical testing. Allele origin: germline.

Athena Diagnostics
Classification: Benign. Last evaluated: 2024-07-05. Review status: criteria provided, single submitter. Criteria: Athena Diagnostics Criteria. Collection method: clinical testing. Allele origin: unknown.

GeneDx
Classification: Benign. Last evaluated: 2016-12-09. Review status: criteria provided, single submitter. Criteria: GeneDx Variant Classification (06012015). Collection method: clinical testing. Allele origin: germline. Affected: yes.
Comment: This variant is considered likely benign or benign based on one or more of the following criteria: it is a conservative change, it occurs at a poorly conserved position in the protein, it is predicted to be benign by multiple in silico algorithms, and/or has population frequency not consistent with disease.

Eurofins Ntd Llc (ga)
Classification: Benign. Last evaluated: 2016-01-27. Review status: criteria provided, single submitter. Criteria: EGL Classification Definitions 2015. Collection method: clinical testing. Allele origin: germline. Observed: 1 variant allele, 1 heterozygote.

PreventionGenetics, part of Exact Sciences
Classification: Benign for CACNA1A-related condition. Last evaluated: 2019-06-13. Review status: no assertion criteria provided. Collection method: clinical testing. Allele origin: germline. Not counted in ClinVar's aggregate classification.
Comment: This variant is classified as benign based on ACMG/AMP sequence variant interpretation guidelines (Richards et al. 2015 PMID: 25741868, with internal and published modifications).

NM_001127222.2(CACNA1A):c.5732-6T>C

Gene: CACNA1A (calcium voltage-gated channel subunit alpha1 A; minus strand). Cytogenetic location: 19p13.13.
Variant type: single nucleotide variant.
Coding change: c.5732-6T>C on transcript NM_001127222.2 (MANE Select); 6 bases into the intron before coding-DNA position 5732, T replaced by C.
Molecular consequence: intron variant.
Genome position (GRCh38, 1-based): chr19:13,214,614, A>G on the plus strand (T>C on the coding strand, the complement: CACNA1A is on the minus strand). VCF-style: chr19-13214614-A-G. GRCh37 (hg19) VCF-style: chr19-13325428-A-G.
Other names: c.5735-6T>C (NM_001127221.2); c.5741-6T>C (NM_001174080.2); c.5750-6T>C (NM_000068.4, NM_023035.3); c.5732-6T>C (NM_001127222.1).
Identifiers: ClinVar variation 285526 (VCV000285526.19), dbSNP rs16043, ClinGen allele CA9239598.
Genomic context (GRCh38, chr19:13,214,614, plus strand): 5'-ATCGCCATCATCTCCTTCCGCAGCTCAGCGTCCATCTGCTGTTTGTCGGCTCCTCCTGCA[A>G]TGGGGGTGTAGACAGACCCTGACTGCCTGCCTGGGTGTCAGCTGGACTCTGGGTCAGCTG-3'